The following is an entry in ClinVar:

ClinVar aggregate classification (germline): Likely pathogenic (1 of 4 stars; one submission).

Conditions:
Platelet-activating factor acetylhydrolase deficiency (PAFAD). Identifiers: MedGen C3280315, MONDO:0013663, OMIM 614278, HP:0040175.

Allele frequency attached by ClinVar (database versions not stated): gnomAD 0.00001.
gnomAD v4.1: 17 of 1,593,278 alleles (0.0011%); highest among the groups gnomAD compares: Non-Finnish European, 0.0015%; no homozygotes.

Submission:

Baylor Genetics
Classification: Likely pathogenic for Platelet-activating factor acetylhydrolase deficiency. Last evaluated: 2020-08-27. Review status: criteria provided, single submitter. Criteria: ACMG Guidelines, 2015. Collection method: clinical testing. Allele origin: unknown. Affected: yes.
Comment: This variant was determined to be likely pathogenic according to ACMG Guidelines, 2015 [PMID:25741868].

NM_005084.4(PLA2G7):c.470+1G>A

Gene: PLA2G7 (phospholipase A2 group VII; minus strand). Cytogenetic location: 6p12.3.
Variant type: single nucleotide variant.
Coding change: c.470+1G>A on transcript NM_005084.4 (MANE Select); the canonical splice donor site of the intron after coding-DNA position 470, G replaced by A.
Molecular consequence: splice donor variant.
Genome position (GRCh38, 1-based): chr6:46,714,459, C>T on the plus strand (G>A on the coding strand, the complement: PLA2G7 is on the minus strand). VCF-style: chr6-46714459-C-T. GRCh37 (hg19) VCF-style: chr6-46682196-C-T.
Other names: c.470+1G>A (NM_001168357.2).
Identifiers: ClinVar variation 1028854 (VCV001028854.1), dbSNP rs1420368113, ClinGen allele CA363937696.